The following is an entry in ClinVar:

ClinVar aggregate classification (germline): Uncertain significance. Review status: criteria provided, multiple submitters, no conflicts (2 of 4 stars). 2 submissions from 2 submitters: Uncertain significance (2). Last evaluated 2026-01-19.

Conditions:
Temtamy syndrome (TEMTYS). Also called: MENTAL RETARDATION WITH OR WITHOUT CRANIOFACIAL DYSMORPHISM, OCULAR COLOBOMA, OR ABNORMAL CORPUS CALLOSUM. Identifiers: Orphanet 1777, MedGen C1857512, MONDO:0009033, OMIM 218340.

Allele frequency attached by ClinVar (database versions not stated): ExAC 0.00002; gnomAD exomes 0.00002 and 0.00004; gnomAD 0.00003 and 0.00004; TOPMed 0.00008.

Submissions (2):

Labcorp Genetics (formerly Invitae), Labcorp
Classification: Uncertain significance for Temtamy syndrome. Last evaluated: 2026-01-19. Review status: criteria provided, single submitter. Criteria: Invitae Variant Classification Sherloc (09022015). Collection method: clinical testing. Allele origin: germline.
Comment: This sequence change replaces aspartic acid, which is acidic and polar, with asparagine, which is neutral and polar, at codon 37 of the C12orf57 protein (p.Asp37Asn). This variant is present in population databases (rs782238229, gnomAD 0.01%). This variant has not been reported in the literature in individuals affected with C12orf57-related conditions. ClinVar contains an entry for this variant (Variation ID: 575129). An algorithm developed to predict the effect of missense changes on protein structure and function (PolyPhen-2) suggests that this variant is likely to be tolerated. In summary, the available evidence is currently insufficient to determine the role of this variant in disease. Therefore, it has been classified as a Variant of Uncertain Significance.

GeneDx
Classification: Uncertain significance. Last evaluated: 2023-10-12. Review status: criteria provided, single submitter. Criteria: GeneDx Variant Classification Process June 2021. Collection method: clinical testing. Allele origin: germline. Affected: yes.
Comment: Not observed at significant frequency in large population cohorts (gnomAD); In silico analysis supports that this missense variant does not alter protein structure/function; Has not been previously published as pathogenic or benign to our knowledge

NM_138425.4(C12orf57):c.109G>A (p.Asp37Asn)

Gene: C12orf57 (chromosome 12 open reading frame 57; plus strand). Cytogenetic location: 12p13.31.
Variant type: single nucleotide variant.
Coding change: c.109G>A on transcript NM_138425.4 (MANE Select); coding-DNA position 109, G replaced by A.
Protein change: p.Asp37Asn; replaces aspartic acid 37 with asparagine.
Molecular consequence: missense variant. On other transcripts: non-coding transcript variant (1).
Genome position (GRCh38, 1-based): chr12:6,944,532, G>A. VCF-style: chr12-6944532-G-A. GRCh37 (hg19) VCF-style: chr12-7053695-G-A.
Other names: c.109G>A (NM_138425.2); c.109G>A, p.Asp37Asn (NM_001301834.1, NM_001301837.2); c.70G>A, p.Asp24Asn (NM_001301836.2); c.4G>A, p.Asp2Asn (NM_001301838.2); short protein forms D37N, D24N, D2N.
Identifiers: ClinVar variation 575129 (VCV000575129.11), dbSNP rs782238229, ClinGen allele CA6421264.